The following is an entry in ClinVar:

NM_000154.2(GALK1):c.1137C>G (p.Tyr379Ter)

Gene: GALK1 (galactokinase 1; minus strand). Cytogenetic location: 17q25.1.
Variant type: single nucleotide variant.
Coding change: c.1137C>G on transcript NM_000154.2 (MANE Select); coding-DNA position 1137, C replaced by G.
Protein change: p.Tyr379Ter; replaces tyrosine 379 with a stop codon.
Molecular consequence: nonsense.
Genome position (GRCh38, 1-based): chr17:75,758,098, G>C on the plus strand (C>G on the coding strand, the complement: GALK1 is on the minus strand). VCF-style: chr17-75758098-G-C. GRCh37 (hg19) VCF-style: chr17-73754179-G-C.
Other names: c.1137C>G, p.Tyr379Ter (NM_001381985.1); short protein forms Y379*.
Identifiers: ClinVar variation 4068245 (VCV004068245.2).

ClinVar aggregate classification (germline): Likely pathogenic (1 of 4 stars; one submission).

Conditions:
Deficiency of galactokinase. Also called: GALACTOSEMIA II; Galactokinase deficiency with cataracts. Identifiers: Orphanet 352, Orphanet 79237, MedGen C0268155, MONDO:0009255, OMIM 230200.

Submission:

Natera, Inc.
Classification: Likely pathogenic for Deficiency of galactokinase. Last evaluated: 2025-03-24. Review status: criteria provided, single submitter. Criteria: Natera Variant Classification Schema (03/2026). Collection method: clinical testing. Allele origin: germline.
Comment: The c.1137C>G variant in GALK1 is a nonsense variant predicted to introduce a stop codon at amino acid 379. This variant is expected to result in nonsense mediated decay, truncation, or a dysfunctional protein product. This variant is rare in the general population with a frequency below the threshold expected for the associated phenotype(s). Given the available evidence, this variant is classified as Likely Pathogenic.